The following is an entry in ClinVar:

NM_002098.6(GUCA1B):c.*581G>A

Gene: GUCA1B (guanylate cyclase activator 1B; minus strand). Cytogenetic location: 6p21.1.
Variant type: single nucleotide variant.
Coding change: c.*581G>A on transcript NM_002098.6 (MANE Select); 581 bases downstream of the stop codon, G replaced by A.
Molecular consequence: 3 prime UTR variant.
Genome position (GRCh38, 1-based): chr6:42,184,234, C>T on the plus strand (G>A on the coding strand, the complement: GUCA1B is on the minus strand). VCF-style: chr6-42184234-C-T. GRCh37 (hg19) VCF-style: chr6-42151972-C-T.
Identifiers: ClinVar variation 356715 (VCV000356715.6), dbSNP rs138314395, ClinGen allele CA10626708.

ClinVar aggregate classification (germline): Benign (1 of 4 stars; one submission).

Conditions:
Retinitis pigmentosa (RP). Identifiers: Orphanet 791, MedGen C0035334, MeSH D012174, MONDO:0019200, OMIM 268000. Inheritance: Autosomal dominant, autosomal recessive and X linked inheritance.

Allele frequency attached by ClinVar (database versions not stated): 1000 Genomes Project 0.00719; 1000 Genomes Project 30x 0.00812; gnomAD 0.00614 and 0.00660; TOPMed 0.00677.
gnomAD v4.1: 920 of 152,178 alleles (0.6%); highest among the groups gnomAD compares: African/African-American, 2.1%; 12 homozygotes.

Submission:

Illumina Laboratory Services, Illumina
Classification: Benign for Retinitis pigmentosa. Last evaluated: 2018-01-13. Review status: criteria provided, single submitter. Criteria: ICSL Variant Classification Criteria 13 December 2019. Collection method: clinical testing. Allele origin: germline.
Comment: This variant was observed in the ICSL laboratory as part of a predisposition screen in an ostensibly healthy population. It had not been previously curated by ICSL or reported in the Human Gene Mutation Database (HGMD: prior to June 1st, 2018), and was therefore a candidate for classification through an automated scoring system. Utilizing variant allele frequency, disease prevalence and penetrance estimates, and inheritance mode, an automated score was calculated to assess if this variant is too frequent to cause the disease. Based on the score and internal cut-off values, a variant classified as benign is not then subjected to further curation. The score for this variant resulted in a classification of benign for this disease.